The following is an entry in ClinVar:

ClinVar aggregate classification (germline): Uncertain significance (1 of 4 stars; one submission).

Conditions:
Tuberous sclerosis 2 (TSC2). Identifiers: Orphanet 805, MedGen C1860707, MONDO:0013199, OMIM 613254.

Submission:

Labcorp Genetics (formerly Invitae), Labcorp
Classification: Uncertain significance for Tuberous sclerosis 2. Last evaluated: 2024-06-03. Review status: criteria provided, single submitter. Criteria: Invitae Variant Classification Sherloc (09022015). Collection method: clinical testing. Allele origin: germline.
Comment: This sequence change replaces alanine, which is neutral and non-polar, with valine, which is neutral and non-polar, at codon 1700 of the TSC2 protein (p.Ala1700Val). This variant is not present in population databases (gnomAD no frequency). This variant has not been reported in the literature in individuals affected with TSC2-related conditions. ClinVar contains an entry for this variant (Variation ID: 1506911). Advanced modeling of protein sequence and biophysical properties (such as structural, functional, and spatial information, amino acid conservation, physicochemical variation, residue mobility, and thermodynamic stability) performed at Invitae indicates that this missense variant is not expected to disrupt TSC2 protein function with a negative predictive value of 95%. In summary, the available evidence is currently insufficient to determine the role of this variant in disease. Therefore, it has been classified as a Variant of Uncertain Significance.

NM_000548.5(TSC2):c.5099C>T (p.Ala1700Val)

Gene: TSC2 (TSC complex subunit 2; plus strand). Cytogenetic location: 16p13.3.
Variant type: single nucleotide variant.
Coding change: c.5099C>T on transcript NM_000548.5 (MANE Select); coding-DNA position 5099, C replaced by T.
Protein change: p.Ala1700Val; replaces alanine 1700 with valine.
Molecular consequence: missense variant.
Genome position (GRCh38, 1-based): chr16:2,088,078, C>T. VCF-style: chr16-2088078-C-T. GRCh37 (hg19) VCF-style: chr16-2138079-C-T.
Other names: c.4898C>T, p.Ala1633Val (NM_001077183.3); c.5030C>T, p.Ala1677Val (NM_001114382.3); c.4790C>T, p.Ala1597Val (NM_001318827.2); c.4754C>T, p.Ala1585Val (NM_001318829.2); c.4367C>T, p.Ala1456Val (NM_001318831.2); c.4931C>T, p.Ala1644Val (NM_001318832.2); c.4901C>T, p.Ala1634Val (NM_001363528.2); c.4967C>T, p.Ala1656Val (NM_001370404.1); and 1 more; short protein forms A1456V, A1585V, A1597V, A1633V, A1656V, A1657V, A1700V, A1634V.
Identifiers: ClinVar variation 1506911 (VCV001506911.6), dbSNP rs2151620769, ClinGen allele CA394312182.
Genomic context (GRCh38, chr16:2,088,078, plus strand): 5'-GGGCCTGGCGTGACCACCAAGTCTCCCCAGACATGGAGGGCCTTGTGGACACCAGCGTGG[C>T]CAAGATCGTGTCTGACCGCAACCTGCCCTTCGTGGCCCGCCAGATGGCCCTGCACGCAAA-3'
Protein context (NP_000539.2, residues 1690-1710): DMEGLVDTSV[Ala1700Val]KIVSDRNLPF